The following is an entry in ClinVar:

ClinVar aggregate classification (germline): Likely benign. Review status: criteria provided, multiple submitters, no conflicts (2 of 4 stars). 3 submissions from 3 submitters: Likely benign (3). Last evaluated 2023-03-01.

Allele frequency attached by ClinVar (database versions not stated): 1000 Genomes Project 30x 0.00172; 1000 Genomes Project 0.00220; gnomAD 0.00360 and 0.00368; TOPMed 0.00378; ESP Exome Variant Server 0.00400; ExAC 0.00424; gnomAD exomes 0.00456.
gnomAD v4.1: 7,343 of 1,611,606 alleles (0.46%); highest among the groups gnomAD compares: Middle Eastern, 2.4%; 30 homozygotes.

Submissions (3):

CeGaT Center for Human Genetics Tuebingen
Classification: Likely benign. Last evaluated: 2023-03-01. Review status: criteria provided, single submitter. Criteria: CeGaT Center For Human Genetics Tuebingen Variant Classification Criteria Version 2. Collection method: clinical testing. Allele origin: germline. Affected: yes. Observed: 1 variant allele.
Comment: ATP13A1: BP4, BS2

Labcorp Genetics (formerly Invitae), Labcorp
Classification: Likely benign. Last evaluated: 2018-10-29. Review status: criteria provided, single submitter. Criteria: Invitae Variant Classification Sherloc (09022015). Collection method: clinical testing. Allele origin: germline.

Breakthrough Genomics
Classification: Likely benign. Review status: criteria provided, single submitter. Criteria: ACMG Guidelines, 2015. Collection method: not provided. Allele origin: germline. Inheritance: Unknown mechanism. Affected: yes.

NM_020410.3(ATP13A1):c.3256C>G (p.Gln1086Glu)

Gene: ATP13A1 (ATPase 13A1; minus strand). Cytogenetic location: 19p13.11.
Variant type: single nucleotide variant.
Coding change: c.3256C>G on transcript NM_020410.3 (MANE Select); coding-DNA position 3256, C replaced by G.
Protein change: p.Gln1086Glu; replaces glutamine 1086 with glutamic acid.
Molecular consequence: missense variant.
Genome position (GRCh38, 1-based): chr19:19,645,978, G>C on the plus strand (C>G on the coding strand, the complement: ATP13A1 is on the minus strand). VCF-style: chr19-19645978-G-C. GRCh37 (hg19) VCF-style: chr19-19756787-G-C.
Other names: short protein forms Q1086E.
Identifiers: ClinVar variation 769451 (VCV000769451.28), dbSNP rs144612212, ClinGen allele CA9330853.